The following is an entry in ClinVar:

NM_014141.6(CNTNAP2):c.2238C>A (p.Asp746Glu)

Gene: CNTNAP2 (contactin associated protein 2; plus strand). Cytogenetic location: 7q35.
Variant type: single nucleotide variant.
Coding change: c.2238C>A on transcript NM_014141.6 (MANE Select); coding-DNA position 2238, C replaced by A.
Protein change: p.Asp746Glu; replaces aspartic acid 746 with glutamic acid.
Molecular consequence: missense variant.
Genome position (GRCh38, 1-based): chr7:147,903,704, C>A. VCF-style: chr7-147903704-C-A. GRCh37 (hg19) VCF-style: chr7-147600796-C-A.
Other names: c.2238C>A (NM_014141.5); short protein forms D746E.
Identifiers: ClinVar variation 1502767 (VCV001502767.6), dbSNP rs375648820, ClinGen allele CA4546336.

ClinVar aggregate classification (germline): Uncertain significance. Review status: criteria provided, multiple submitters, no conflicts (2 of 4 stars). 2 submissions from 2 submitters: Uncertain significance (2). Last evaluated 2026-01-08.

Conditions:
Inborn genetic diseases. Identifiers: MedGen C0950123, MeSH D030342.
Cortical dysplasia-focal epilepsy syndrome (PTHSL1). Also called: Pitt-Hopkins-like syndrome 1. Identifiers: Orphanet 163681, Orphanet 221150, MedGen C2750246, MONDO:0012400, OMIM 610042.

Allele frequency attached by ClinVar (database versions not stated): ESP Exome Variant Server 0.00008.
gnomAD v4.1: 15 of 1,613,688 alleles (0.00093%); highest among the groups gnomAD compares: Middle Eastern, 0.016%; no homozygotes.

Submissions (2):

Ambry Genetics
Classification: Uncertain significance for Inborn genetic diseases. Last evaluated: 2026-01-08. Review status: criteria provided, single submitter. Criteria: Ambry Variant Classification Scheme 2023. Collection method: clinical testing. Allele origin: germline.
Comment: The c.2238C>A (p.D746E) alteration is located in exon 14 (coding exon 14) of the CNTNAP2 gene. This alteration results from a C to A substitution at nucleotide position 2238, causing the aspartic acid (D) at amino acid position 746 to be replaced by a glutamic acid (E). Based on data from gnomAD, the A allele has an overall frequency of 0.001% (2/249328) total alleles studied. The highest observed frequency was 0.002% (2/112274) of European (non-Finnish) alleles. Based on insufficient or conflicting evidence, the clinical significance of this alteration remains unclear.

Labcorp Genetics (formerly Invitae), Labcorp
Classification: Uncertain significance for Cortical dysplasia-focal epilepsy syndrome. Last evaluated: 2021-08-14. Review status: criteria provided, single submitter. Criteria: Invitae Variant Classification Sherloc (09022015). Collection method: clinical testing. Allele origin: germline.
Comment: This sequence change replaces aspartic acid with glutamic acid at codon 746 of the CNTNAP2 protein (p.Asp746Glu). The aspartic acid residue is highly conserved and there is a small physicochemical difference between aspartic acid and glutamic acid. This variant is present in population databases (rs375648820, ExAC 0.002%). This variant has not been reported in the literature in individuals affected with CNTNAP2-related conditions. Algorithms developed to predict the effect of missense changes on protein structure and function (SIFT, PolyPhen-2, Align-GVGD) all suggest that this variant is likely to be disruptive. Algorithms developed to predict the effect of sequence changes on RNA splicing suggest that this variant may create or strengthen a splice site. In summary, the available evidence is currently insufficient to determine the role of this variant in disease. Therefore, it has been classified as a Variant of Uncertain Significance.